The following is an entry in ClinVar:

ClinVar aggregate classification (germline): Uncertain significance. Review status: criteria provided, multiple submitters, no conflicts (2 of 4 stars). 3 submissions from 3 submitters: Uncertain significance (3). Last evaluated 2023-04-12.

Conditions:
Inborn genetic diseases. Identifiers: MedGen C0950123, MeSH D030342.

Allele frequency attached by ClinVar (database versions not stated): TOPMed 0.00017; gnomAD 0.00017.

Submissions (3):

Clinical Genetics Laboratory, Skane University Hospital Lund
Classification: Uncertain significance. Last evaluated: 2023-04-12. Review status: criteria provided, single submitter. Criteria: ACMG Guidelines, 2015. Collection method: clinical testing. Allele origin: germline. Affected: yes.

Labcorp Genetics (formerly Invitae), Labcorp
Classification: Uncertain significance. Last evaluated: 2022-10-03. Review status: criteria provided, single submitter. Criteria: Invitae Variant Classification Sherloc (09022015). Collection method: clinical testing. Allele origin: germline.
Comment: This sequence change replaces valine, which is neutral and non-polar, with methionine, which is neutral and non-polar, at codon 842 of the ITGA8 protein (p.Val842Met). This variant is present in population databases (rs202138436, gnomAD 0.1%). This variant has not been reported in the literature in individuals affected with ITGA8-related conditions. Advanced modeling of protein sequence and biophysical properties (such as structural, functional, and spatial information, amino acid conservation, physicochemical variation, residue mobility, and thermodynamic stability) performed at Invitae indicates that this missense variant is not expected to disrupt ITGA8 protein function. In summary, the available evidence is currently insufficient to determine the role of this variant in disease. Therefore, it has been classified as a Variant of Uncertain Significance.

Ambry Genetics
Classification: Uncertain significance for Inborn genetic diseases. Last evaluated: 2021-08-02. Review status: criteria provided, single submitter. Criteria: Ambry Variant Classification Scheme 2023. Collection method: clinical testing. Allele origin: germline.

NM_003638.3(ITGA8):c.2524G>A (p.Val842Met)

Gene: ITGA8 (integrin subunit alpha 8; minus strand). Cytogenetic location: 10p13.
Variant type: single nucleotide variant.
Coding change: c.2524G>A on transcript NM_003638.3 (MANE Select); coding-DNA position 2524, G replaced by A.
Protein change: p.Val842Met; replaces valine 842 with methionine.
Molecular consequence: missense variant.
Genome position (GRCh38, 1-based): chr10:15,572,324, C>T on the plus strand (G>A on the coding strand, the complement: ITGA8 is on the minus strand). VCF-style: chr10-15572324-C-T. GRCh37 (hg19) VCF-style: chr10-15614323-C-T.
Other names: c.2479G>A, p.Val827Met (NM_001291494.2); short protein forms V842M, V827M.
Identifiers: ClinVar variation 2046536 (VCV002046536.3), dbSNP rs202138436, ClinGen allele CA5419810.